The following is an entry in ClinVar:

NM_016609.7(SLC22A17):c.108C>T (p.Thr36=)

Gene: SLC22A17 (solute carrier family 22 member 17; minus strand). Cytogenetic location: 14q11.2.
Variant type: single nucleotide variant.
Coding change: c.108C>T on transcript NM_016609.7 (MANE Select); coding-DNA position 108, C replaced by T.
Protein change: p.Thr36=; no amino-acid change (threonine 36 retained).
Molecular consequence: synonymous variant. On other transcripts: 5 prime UTR variant (1), non-coding transcript variant (1).
Genome position (GRCh38, 1-based): chr14:23,352,440, G>A on the plus strand (C>T on the coding strand, the complement: SLC22A17 is on the minus strand). VCF-style: chr14-23352440-G-A. GRCh37 (hg19) VCF-style: chr14-23821649-G-A.
Other names: c.-755C>T (NM_001289050.1); c.108C>T, p.Thr36= (NM_020372.4).
Identifiers: ClinVar variation 2644094 (VCV002644094.24), dbSNP rs72542463, ClinGen allele CA257793370.

ClinVar aggregate classification (germline): Likely benign (1 of 4 stars; one submission).

Allele frequency attached by ClinVar (database versions not stated): 1000 Genomes Project 0.00060; 1000 Genomes Project 30x 0.00062; gnomAD exomes 0.00161.

Submission:

CeGaT Center for Human Genetics Tuebingen
Classification: Likely benign. Last evaluated: 2022-09-01. Review status: criteria provided, single submitter. Criteria: CeGaT Center For Human Genetics Tuebingen Variant Classification Criteria Version 2. Collection method: clinical testing. Allele origin: germline. Affected: yes. Observed: 1 variant allele.
Comment: SLC22A17: BP4, BP7